The following is an entry in ClinVar:

ClinVar aggregate classification (germline): Uncertain significance. Review status: criteria provided, multiple submitters, no conflicts (2 of 4 stars). 2 submissions from 2 submitters: Uncertain significance (2). Last evaluated 2024-10-21.

Conditions:
DNAJC13-related disorder. Also called: DNAJC13-related condition.

Allele frequency attached by ClinVar (database versions not stated): ExAC 0.00017; gnomAD 0.00019 and 0.00021; gnomAD exomes 0.00023; TOPMed 0.00029; 1000 Genomes Project 30x 0.00031; 1000 Genomes Project 0.00040; ESP Exome Variant Server 0.00046.
gnomAD v4.1: 369 of 1,613,216 alleles (0.023%); highest among the groups gnomAD compares: Admixed American, 0.03%; no homozygotes.

Submissions (2):

PreventionGenetics, part of Exact Sciences
Classification: Uncertain significance for DNAJC13-related condition. Last evaluated: 2024-10-21. Review status: criteria provided, single submitter. Criteria: ACMG Guidelines, 2015. Collection method: clinical testing. Allele origin: germline.
Comment: The DNAJC13 c.4199G>A variant is predicted to result in the amino acid substitution p.Arg1400Gln. To our knowledge, this variant has not been reported in the literature. This variant is reported in 0.042% of alleles in individuals of Latino descent in gnomAD. At this time, the clinical significance of this variant is uncertain due to the absence of conclusive functional and genetic evidence.

CeGaT Center for Human Genetics Tuebingen
Classification: Uncertain significance. Last evaluated: 2019-07-01. Review status: criteria provided, single submitter. Criteria: CeGaT Center For Human Genetics Tuebingen Variant Classification Criteria Version 2. Collection method: clinical testing. Allele origin: germline. Affected: yes. Observed: 3 variant alleles.

NM_015268.4(DNAJC13):c.4199G>A (p.Arg1400Gln)

Gene: DNAJC13 (DnaJ heat shock protein family (Hsp40) member C13; plus strand). Cytogenetic location: 3q22.1.
Variant type: single nucleotide variant.
Coding change: c.4199G>A on transcript NM_015268.4 (MANE Select); coding-DNA position 4199, G replaced by A.
Protein change: p.Arg1400Gln; replaces arginine 1400 with glutamine.
Molecular consequence: missense variant.
Genome position (GRCh38, 1-based): chr3:132,499,168, G>A. VCF-style: chr3-132499168-G-A. GRCh37 (hg19) VCF-style: chr3-132218012-G-A.
Other names: c.4199G>A (NM_015268.3); c.4214G>A, p.Arg1405Gln (NM_001329126.2); short protein forms R1400Q, R1405Q.
Identifiers: ClinVar variation 810724 (VCV000810724.43), dbSNP rs147104839, ClinGen allele CA2619486.
Genomic context (GRCh38, chr3:132,499,168, plus strand): 5'-AACCATTGGTTATTTCAGATTTACAGCCTTATAAATATGCAGGATACCCCATGCTTATTC[G>A]GACTATAACAATGGAAACTTCAGATGACCTCCTTTTCTCAAAAGAATCACCATTGTTGCC-3'
Protein context (NP_056083.3, residues 1390-1410): YKYAGYPMLI[Arg1400Gln]TITMETSDDL